The following is an entry in ClinVar:

NM_000057.4(BLM):c.362C>G (p.Thr121Ser)

Gene: BLM (BLM RecQ like helicase; plus strand). Cytogenetic location: 15q26.1.
Variant type: single nucleotide variant.
Coding change: c.362C>G on transcript NM_000057.4 (MANE Select); coding-DNA position 362, C replaced by G.
Protein change: p.Thr121Ser; replaces threonine 121 with serine.
Molecular consequence: missense variant. On other transcripts: 5 prime UTR variant (1).
Genome position (GRCh38, 1-based): chr15:90,749,630, C>G. VCF-style: chr15-90749630-C-G. GRCh37 (hg19) VCF-style: chr15-91292860-C-G.
Other names: c.362C>G, p.Thr121Ser (NM_001287246.2, NM_001287247.2); c.-930C>G (NM_001287248.2); c.362C>G (NM_000057.2); short protein forms T121S.
Identifiers: ClinVar variation 579386 (VCV000579386.10), dbSNP rs1567035318, ClinGen allele CA393840390.
Genomic context (GRCh38, chr15:90,749,630, plus strand): 5'-GAGGTGGATCAAAATCATTATTGCCAGATTTCTTGCAGACTCCGAAGGAAGTTGTATGCA[C>G]TACCCAAAACACACCAACTGTAAAGAAATCCCGGGATACTGCTCTCAAGAAATTAGAATT-3'
Protein context (NP_000048.1, residues 111-131): FLQTPKEVVC[Thr121Ser]TQNTPTVKKS

ClinVar aggregate classification (germline): Uncertain significance. Review status: criteria provided, multiple submitters, no conflicts (2 of 4 stars). 2 submissions from 2 submitters: Uncertain significance (2). Last evaluated 2026-05-18.

Conditions:
Hereditary cancer-predisposing syndrome. Also called: Tumor predisposition; Hereditary Cancer Syndrome; Neoplastic Syndromes, Hereditary; Hereditary neoplastic syndrome. Identifiers: Orphanet 140162, MedGen C0027672, MeSH D009386, MONDO:0015356.
Bloom syndrome (BLM). Also called: Bloom-Torre-Machacek syndrome. Identifiers: Orphanet 125, MedGen C0005859, MONDO:0008876, OMIM 210900.

Submissions (2):

Ambry Genetics
Classification: Uncertain significance for Hereditary cancer-predisposing syndrome. Last evaluated: 2026-05-18. Review status: criteria provided, single submitter. Criteria: Ambry Variant Classification Scheme 2023. Collection method: clinical testing. Allele origin: germline.
Comment: The p.T121S variant (also known as c.362C>G), located in coding exon 2 of the BLM gene, results from a C to G substitution at nucleotide position 362. The threonine at codon 121 is replaced by serine, an amino acid with similar properties. This amino acid position is conserved. In addition, this alteration is predicted to be tolerated by in silico analysis. Based on the available evidence, the clinical significance of this variant remains unclear.

Labcorp Genetics (formerly Invitae), Labcorp
Classification: Uncertain significance for Bloom syndrome. Last evaluated: 2018-06-12. Review status: criteria provided, single submitter. Criteria: Invitae Variant Classification Sherloc (09022015). Collection method: clinical testing. Allele origin: germline.
Comment: In summary, the available evidence is currently insufficient to determine the role of this variant in disease. Therefore, it has been classified as a Variant of Uncertain Significance. Algorithms developed to predict the effect of missense changes on protein structure and function output the following: SIFT: "Tolerated"; PolyPhen-2: "Benign"; Align-GVGD: "Class C0". The serine amino acid residue is found in multiple mammalian species, suggesting that this missense change does not adversely affect protein function. These predictions have not been confirmed by published functional studies and their clinical significance is uncertain. This variant has not been reported in the literature in individuals with BLM-related disease. This variant is not present in population databases (ExAC no frequency). This sequence change replaces threonine with serine at codon 121 of the BLM protein (p.Thr121Ser). The threonine residue is weakly conserved and there is a small physicochemical difference between threonine and serine.